The following is an entry in ClinVar:

NM_000535.7(PMS2):c.346G>A (p.Ala116Thr)

Gene: PMS2 (PMS1 homolog 2, mismatch repair system component; minus strand). Cytogenetic location: 7p22.1.
Variant type: single nucleotide variant.
Coding change: c.346G>A on transcript NM_000535.7 (MANE Select); coding-DNA position 346, G replaced by A.
Protein change: p.Ala116Thr; replaces alanine 116 with threonine.
Molecular consequence: missense variant. On other transcripts: 5 prime UTR variant (9), non-coding transcript variant (1), intron variant (2).
Genome position (GRCh38, 1-based): chr7:6,003,697, C>T on the plus strand (G>A on the coding strand, the complement: PMS2 is on the minus strand). VCF-style: chr7-6003697-C-T. GRCh37 (hg19) VCF-style: chr7-6043328-C-T.
Other names: c.-60G>A (NM_001322003.2, NM_001322004.2, NM_001322005.2 and 3 more transcripts); c.346G>A, p.Ala116Thr (NM_001322006.2, NM_001322014.2); c.-539G>A (NM_001322011.2, NM_001322012.2); c.-139G>A (NM_001322015.2); c.35+275G>A (NM_001322008.2, NM_001322007.2); short protein forms A116T.
Identifiers: ClinVar variation 421163 (VCV000421163.22), dbSNP rs751799116, ClinGen allele CA049263.
Genomic context (GRCh38, chr7:6,003,697, plus strand): 5'-TTCAGAGAGGTTTCTCTAAGGGGTCAAGTGAGTGGATAAAAATATTGTATCACCTCAGTG[C>T]ACAAAGTGAGCTCAGAGCTTCCCCCCGAAAGCCAAAAGTTTCAACCTGAGTTAGGTCGGC-3'
Protein context (NP_000526.2, residues 106-126): FRGEALSSLC[Ala116Thr]LSDVTISTCH

ClinVar aggregate classification (germline): Uncertain significance. Review status: criteria provided, multiple submitters, no conflicts (2 of 4 stars). 5 submissions from 5 submitters: Uncertain significance (5). Last evaluated 2025-10-01.

Conditions:
Hereditary nonpolyposis colorectal neoplasms. Identifiers: MedGen C0009405, MeSH D003123.
Hereditary cancer-predisposing syndrome. Also called: Hereditary neoplastic syndrome; Tumor predisposition; Neoplastic Syndromes, Hereditary; Hereditary Cancer Syndrome. Identifiers: Orphanet 140162, MedGen C0027672, MeSH D009386, MONDO:0015356.
Lynch syndrome 4 (LYNCH4). Also called: Hereditary non-polyposis colorectal cancer, type 4; Colorectal cancer, hereditary nonpolyposis, type 4. Identifiers: Orphanet 144, MedGen C1838333, MONDO:0013699, OMIM 614337. Disease mechanism: loss of function.

Allele frequency attached by ClinVar (database versions not stated): gnomAD exomes below 0.00001; TOPMed below 0.00001; ExAC 0.00001; gnomAD 0.00001.
gnomAD v4.1: 5 of 1,570,820 alleles (0.00032%); highest among the groups gnomAD compares: Non-Finnish European, 0.00043%; no homozygotes.

Submissions (5):

Ambry Genetics
Classification: Uncertain significance for Hereditary cancer-predisposing syndrome. Last evaluated: 2025-10-01. Review status: criteria provided, single submitter. Criteria: Ambry Variant Classification Scheme 2023. Collection method: clinical testing. Allele origin: germline.
Comment: The p.A116T variant (also known as c.346G>A), located in coding exon 4 of the PMS2 gene, results from a G to A substitution at nucleotide position 346. The alanine at codon 116 is replaced by threonine, an amino acid with similar properties. This amino acid position is highly conserved in available vertebrate species. In addition, this alteration is predicted to be deleterious by in silico analysis. Since supporting evidence is limited at this time, the clinical significance of this alteration remains unclear.

Labcorp Genetics (formerly Invitae), Labcorp
Classification: Uncertain significance for Hereditary nonpolyposis colorectal neoplasms. Last evaluated: 2024-12-22. Review status: criteria provided, single submitter. Criteria: Invitae Variant Classification Sherloc (09022015). Collection method: clinical testing. Allele origin: germline.
Comment: This sequence change replaces alanine, which is neutral and non-polar, with threonine, which is neutral and polar, at codon 116 of the PMS2 protein (p.Ala116Thr). This variant is present in population databases (rs751799116, gnomAD 0.0009%). This variant has not been reported in the literature in individuals affected with PMS2-related conditions. ClinVar contains an entry for this variant (Variation ID: 421163). Invitae Evidence Modeling of protein sequence and biophysical properties (such as structural, functional, and spatial information, amino acid conservation, physicochemical variation, residue mobility, and thermodynamic stability) indicates that this missense variant is expected to disrupt PMS2 protein function with a positive predictive value of 80%. In summary, the available evidence is currently insufficient to determine the role of this variant in disease. Therefore, it has been classified as a Variant of Uncertain Significance.

Color Diagnostics, LLC DBA Color Health
Classification: Uncertain significance for Hereditary cancer-predisposing syndrome. Last evaluated: 2024-07-26. Review status: criteria provided, single submitter. Criteria: ACMG Guidelines, 2015. Collection method: clinical testing. Allele origin: germline.
Comment: This missense variant replaces alanine with threonine at codon 116 of the PMS2 protein. Computational prediction suggests that this variant may have deleterious impact on protein structure and function (internally defined REVEL score threshold >= 0.7, PMID: 27666373). To our knowledge, functional studies have not been reported for this variant. This variant has not been reported in individuals affected with PMS2-related disorders in the literature. This variant has been identified in 2/266610 chromosomes in the general population by the Genome Aggregation Database (gnomAD). The available evidence is insufficient to determine the role of this variant in disease conclusively. Therefore, this variant is classified as a Variant of Uncertain Significance.

Baylor Genetics
Classification: Uncertain significance for Lynch syndrome 4. Last evaluated: 2023-08-27. Review status: criteria provided, single submitter. Criteria: ACMG Guidelines, 2015. Collection method: clinical testing. Allele origin: unknown.

GeneDx
Classification: Uncertain significance. Last evaluated: 2016-05-11. Review status: criteria provided, single submitter. Criteria: GeneDx Variant Classification (06012015). Collection method: clinical testing. Allele origin: germline. Affected: yes.
Comment: This variant is denoted PMS2 c.346G>A at the cDNA level, p.Ala116Thr (A116T) at the protein level, and results in the change of an Alanine to a Threonine (GCA>ACA). This variant has not, to our knowledge, been published in the literature as pathogenic or benign. PMS2 Ala116Thr was not observed in approximately 6,500 individuals of European and African American ancestry in the NHLBI Exome Sequencing Project, suggesting it is not a common benign variant in these populations. Since Alanine and Threonine differ in polarity, charge, size or other properties, this is considered a non-conservative amino acid substitution. PMS2 Ala116Thr occurs at a position that is conserved across species and is located within the ATPase domain (Guarne 2001, Fukui 2011). In silico analyses are inconsistent regarding the effect this variant may have on protein structure and function. Based on currently available evidence, it is unclear whether PMS2 Ala116Thr is a pathogenic or benign variant. We consider it to be a variant of uncertain significance.